The following is an entry in ClinVar:

NM_001291815.2(HMCN2):c.5034C>T (p.Asp1678=)

Gene: HMCN2 (hemicentin 2; plus strand). Cytogenetic location: 9q34.11.
Variant type: single nucleotide variant.
Coding change: c.5034C>T on transcript NM_001291815.2 (MANE Select); coding-DNA position 5034, C replaced by T.
Protein change: p.Asp1678=; no amino-acid change (aspartic acid 1678 retained).
Molecular consequence: synonymous variant.
Genome position (GRCh38, 1-based): chr9:130,354,932, C>T. VCF-style: chr9-130354932-C-T. GRCh37 (hg19) VCF-style: chr9-133230319-C-T.
Identifiers: ClinVar variation 2659590 (VCV002659590.24), dbSNP rs142117460, ClinGen allele CA5282208.

ClinVar aggregate classification (germline): Likely benign (1 of 4 stars; one submission).

Allele frequency attached by ClinVar (database versions not stated): 1000 Genomes Project 0.00080; 1000 Genomes Project 30x 0.00125; TOPMed 0.00279; ExAC 0.00304; gnomAD exomes 0.00350.
gnomAD v4.1: 4,373 of 1,303,718 alleles (0.34%); highest among the groups gnomAD compares: Non-Finnish European, 0.39%; 18 homozygotes.

Submission:

CeGaT Center for Human Genetics Tuebingen
Classification: Likely benign. Last evaluated: 2022-09-01. Review status: criteria provided, single submitter. Criteria: CeGaT Center For Human Genetics Tuebingen Variant Classification Criteria Version 2. Collection method: clinical testing. Allele origin: germline. Affected: yes. Observed: 1 variant allele.
Comment: HMCN2: BP4, BP7